The following is an entry in ClinVar:

ClinVar aggregate classification (germline): Uncertain significance (1 of 4 stars; one submission).

Submission:

Labcorp Genetics (formerly Invitae), Labcorp
Classification: Uncertain significance. Last evaluated: 2023-11-20. Review status: criteria provided, single submitter. Criteria: Invitae Variant Classification Sherloc (09022015). Collection method: clinical testing. Allele origin: germline.
Comment: This sequence change replaces asparagine, which is neutral and polar, with aspartic acid, which is acidic and polar, at codon 773 of the ZMIZ1 protein (p.Asn773Asp). This variant is not present in population databases (gnomAD no frequency). This variant has not been reported in the literature in individuals affected with ZMIZ1-related conditions. Advanced modeling of protein sequence and biophysical properties (such as structural, functional, and spatial information, amino acid conservation, physicochemical variation, residue mobility, and thermodynamic stability) performed at Invitae indicates that this missense variant is expected to disrupt ZMIZ1 protein function with a positive predictive value of 80%. In summary, the available evidence is currently insufficient to determine the role of this variant in disease. Therefore, it has been classified as a Variant of Uncertain Significance.

NM_020338.4(ZMIZ1):c.2317A>G (p.Asn773Asp)

Genes: ZMIZ1 (zinc finger MIZ-type containing 1; plus strand), LOC126860975 (CDK7 strongly-dependent group 2 enhancer GRCh37_chr10:81064163-81065362; plus strand). Cytogenetic location: 10q22.3.
Variant type: single nucleotide variant.
Coding change: c.2317A>G on transcript NM_020338.4 (MANE Select); coding-DNA position 2317, A replaced by G.
Protein change: p.Asn773Asp; replaces asparagine 773 with aspartic acid.
Molecular consequence: missense variant.
Genome position (GRCh38, 1-based): chr10:79,305,194, A>G. VCF-style: chr10-79305194-A-G. GRCh37 (hg19) VCF-style: chr10-81064951-A-G.
Other names: short protein forms N773D.
Identifiers: ClinVar variation 2697691 (VCV002697691.3), dbSNP rs2492190550, ClinGen allele CA377341821.